The following is an entry in ClinVar:

ClinVar aggregate classification (germline): Uncertain significance (1 of 4 stars; one submission).

gnomAD v4.1: 1 of 1,612,564 alleles (0.000062%); highest among the groups gnomAD compares: Non-Finnish European, 0.000085%; no homozygotes.

Submission:

GeneDx
Classification: Uncertain significance. Last evaluated: 2025-06-13. Review status: criteria provided, single submitter. Criteria: GeneDx Variant Classification Process June 2021. Collection method: clinical testing. Allele origin: germline. Affected: yes.
Comment: Not observed at significant frequency in large population cohorts (gnomAD); Missense variants in this gene are a common cause of disease and they are underrepresented in the general population; In silico analysis supports that this missense variant has a deleterious effect on protein structure/function; Has not been previously published as pathogenic or benign to our knowledge

NM_002755.4(MAP2K1):c.556A>T (p.Ile186Phe)

Gene: MAP2K1 (mitogen-activated protein kinase kinase 1; plus strand). Cytogenetic location: 15q22.31.
Variant type: single nucleotide variant.
Coding change: c.556A>T on transcript NM_002755.4 (MANE Select); coding-DNA position 556, A replaced by T.
Protein change: p.Ile186Phe; replaces isoleucine 186 with phenylalanine.
Molecular consequence: missense variant.
Genome position (GRCh38, 1-based): chr15:66,444,695, A>T. VCF-style: chr15-66444695-A-T. GRCh37 (hg19) VCF-style: chr15-66737033-A-T.
Other names: c.412A>T, p.Ile138Phe (NM_001411065.1); short protein forms I138F, I186F.
Identifiers: ClinVar variation 4537787 (VCV004537787.1).